The following is an entry in ClinVar:

ClinVar aggregate classification (germline): Likely benign (1 of 4 stars; one submission).

gnomAD v4.1: 8 of 1,208,491 alleles (0.00066%); highest among the groups gnomAD compares: South Asian, 0.014%; no homozygotes.

Submission:

CeGaT Center for Human Genetics Tuebingen
Classification: Likely benign. Last evaluated: 2024-11-01. Review status: criteria provided, single submitter. Criteria: CeGaT Center For Human Genetics Tuebingen Variant Classification Criteria Version 2. Collection method: clinical testing. Allele origin: germline. Affected: yes. Observed: 1 variant allele.
Comment: AFF2: BP4, BP7, BS2

NM_002025.4(AFF2):c.2091C>T (p.Tyr697=)

Gene: AFF2 (ALF transcription elongation factor 2; plus strand). Cytogenetic location: Xq28.
Variant type: single nucleotide variant.
Coding change: c.2091C>T on transcript NM_002025.4 (MANE Select); coding-DNA position 2091, C replaced by T.
Protein change: p.Tyr697=; no amino-acid change (tyrosine 697 retained).
Molecular consequence: synonymous variant.
Genome position (GRCh38, 1-based): chrX:148,956,136, C>T. VCF-style: chrX-148956136-C-T. GRCh37 (hg19) VCF-style: chrX-148037666-C-T.
Other names: c.1992C>T, p.Tyr664= (NM_001169122.2); c.2061C>T, p.Tyr687= (NM_001169123.2); c.1986C>T, p.Tyr662= (NM_001169124.2); c.1974C>T, p.Tyr658= (NM_001169125.2); c.1014C>T, p.Tyr338= (NM_001170628.1).
Identifiers: ClinVar variation 3390073 (VCV003390073.14).